The following is an entry in ClinVar:

ClinVar aggregate classification (germline): Uncertain significance (1 of 4 stars; one submission).

Submission:

GeneDx
Classification: Uncertain significance. Last evaluated: 2022-09-19. Review status: criteria provided, single submitter. Criteria: GeneDx Variant Classification Process June 2021. Collection method: clinical testing. Allele origin: germline. Affected: yes.
Comment: In-frame insertion of 2 amino acids in a repetitive region with no known function; Has not been previously published as pathogenic or benign to our knowledge

NM_016120.4(RLIM):c.1377_1382dup (p.Ser476_Pro477insSerSer)

Gene: RLIM (ring finger protein, LIM domain interacting; minus strand). Cytogenetic location: Xq13.2.
Variant type: Duplication.
Coding change: c.1377_1382dup on transcript NM_016120.4 (MANE Select); coding-DNA positions 1377 to 1382, 6 bases duplicated (GAGTTC; older notation c.1377_1382dupGAGTTC).
Protein change: p.Ser476_Pro477insSerSer.
Molecular consequence: inframe insertion.
Genome position (GRCh38, 1-based): chrX:74,591,933-74,591,938, GAACTC duplicated on the plus strand (GAGTTC on the coding strand, the reverse complement: RLIM is on the minus strand); duplicating any 6 consecutive bases within chrX:74,591,933-74,591,943 gives the same sequence; the c. name uses the placement nearest the transcript's 3' end. VCF-style (leftmost placement, unchanged base first): chrX-74591932-G-GGAACTC. GRCh37 (hg19) VCF-style: chrX-73811767-G-GGAACTC.
Other names: c.1377_1382dup, p.Ser476_Pro477insSerSer (NM_183353.3).
Identifiers: ClinVar variation 1706198 (VCV001706198.2), dbSNP rs764715887, ClinGen allele CA10454625.
Genomic context (GRCh38, chrX:74,591,932, plus strand): 5'-GGAACTGGAACTAGGACTGGAACTGGAACTTGAACTGGAACTGGAACTCGAACTGGAACT[G>GGAACTC]GAACTCGAACTGGAACCAGAACTACTACCACCACCAGAACCTCCTCTTCCACTCCGTGAC-3'